The following is an entry in ClinVar:

ClinVar aggregate classification (germline): Benign/Likely benign. Review status: criteria provided, multiple submitters, no conflicts (2 of 4 stars). 4 submissions from 4 submitters: Benign (3); Likely benign (1). Last evaluated 2026-01-27.

Conditions:
Primary ciliary dyskinesia. Also called: Ciliary dyskinesia. Identifiers: Orphanet 244, MedGen C0008780, MONDO:0016575, HP:0012265.
Primary ciliary dyskinesia 15. Also called: CILIARY DYSKINESIA, PRIMARY, 15, WITH OR WITHOUT SITUS INVERSUS. Identifiers: Orphanet 244, MedGen C3151137, MONDO:0013435, OMIM 613808.

Allele frequency attached by ClinVar (database versions not stated): 1000 Genomes Project 0.00439; gnomAD 0.00500 and 0.00530; TOPMed 0.00559; ESP Exome Variant Server 0.00564; ExAC 0.00155; 1000 Genomes Project 30x 0.00437.
gnomAD v4.1: 1,565 of 1,612,970 alleles (0.097%); highest among the groups gnomAD compares: African/African-American, 1.9%; 15 homozygotes.

Submissions (4):

Labcorp Genetics (formerly Invitae), Labcorp
Classification: Benign for Primary ciliary dyskinesia. Last evaluated: 2026-01-27. Review status: criteria provided, single submitter. Criteria: Invitae Variant Classification Sherloc (09022015). Collection method: clinical testing. Allele origin: germline.

ARUP Laboratories, Molecular Genetics and Genomics, ARUP Laboratories
Classification: Benign for Primary ciliary dyskinesia 15. Last evaluated: 2023-08-21. Review status: criteria provided, single submitter. Criteria: ARUP Molecular Germline Variant Investigation Process 2024. Collection method: clinical testing. Allele origin: germline.

GeneDx
Classification: Likely benign. Last evaluated: 2018-10-27. Review status: criteria provided, single submitter. Criteria: GeneDx Variant Classification Process June 2021. Collection method: clinical testing. Allele origin: germline. Affected: yes.
Comment: See Variant Classification Assertion Criteria.

PreventionGenetics, part of Exact Sciences
Classification: Benign. Review status: criteria provided, single submitter. Criteria: ACMG Guidelines, 2015. Collection method: clinical testing. Allele origin: germline.

NM_017950.4(CCDC40):c.1441-18C>G

Gene: CCDC40 (coiled-coil domain 40 molecular ruler complex subunit; plus strand). Cytogenetic location: 17q25.3.
Variant type: single nucleotide variant.
Coding change: c.1441-18C>G on transcript NM_017950.4 (MANE Select); 18 bases into the intron before coding-DNA position 1441, C replaced by G.
Molecular consequence: intron variant.
Genome position (GRCh38, 1-based): chr17:80,065,467, C>G. VCF-style: chr17-80065467-C-G. GRCh37 (hg19) VCF-style: chr17-78039266-C-G.
Other names: c.1441-18C>G (NM_001243342.2, NM_001330508.2).
Identifiers: ClinVar variation 260952 (VCV000260952.12), dbSNP rs181295177, ClinGen allele CA8813839.